The following is an entry in ClinVar:

ClinVar aggregate classification (germline): Uncertain significance. Review status: criteria provided, multiple submitters, no conflicts (2 of 4 stars). 2 submissions from 2 submitters: Uncertain significance (2). Last evaluated 2022-09-15.

Allele frequency attached by ClinVar (database versions not stated): gnomAD exomes below 0.00001; gnomAD 0.00001.
gnomAD v4.1: 8 of 1,613,972 alleles (0.0005%); highest among the groups gnomAD compares: African/African-American, 0.0013%; no homozygotes.

Submissions (2):

Blueprint Genetics
Classification: Uncertain significance. Last evaluated: 2022-09-15. Review status: criteria provided, single submitter. Criteria: ACMG Guidelines, 2015. Collection method: clinical testing. Allele origin: germline.

GeneDx
Classification: Uncertain significance. Last evaluated: 2022-05-16. Review status: criteria provided, single submitter. Criteria: GeneDx Variant Classification Process June 2021. Collection method: clinical testing. Allele origin: germline. Affected: yes.
Comment: Not observed at significant frequency in large population cohorts (gnomAD); In silico analysis supports that this missense variant has a deleterious effect on protein structure/function; Has not been previously published as pathogenic or benign to our knowledge

NM_007118.4(TRIO):c.2965G>A (p.Ala989Thr)

Gene: TRIO (trio Rho guanine nucleotide exchange factor; plus strand). Cytogenetic location: 5p15.2.
Variant type: single nucleotide variant.
Coding change: c.2965G>A on transcript NM_007118.4 (MANE Select); coding-DNA position 2965, G replaced by A.
Protein change: p.Ala989Thr; replaces alanine 989 with threonine.
Molecular consequence: missense variant. On other transcripts: non-coding transcript variant (1).
Genome position (GRCh38, 1-based): chr5:14,368,798, G>A. VCF-style: chr5-14368798-G-A. GRCh37 (hg19) VCF-style: chr5-14368907-G-A.
Other names: short protein forms A989T.
Identifiers: ClinVar variation 1800510 (VCV001800510.2), dbSNP rs1292430926, ClinGen allele CA359215587.